The following is an entry in ClinVar:

ClinVar aggregate classification (germline): Benign (1 of 4 stars; one submission).

Conditions:
Papillary renal cell carcinoma type 1 (RCCP1). Also called: Renal adenocarcinoma; Renal cell carcinoma 1; Renal cell carcinoma, somatic; RENAL CELL CARCINOMA, PAPILLARY, 1, SOMATIC. Identifiers: Orphanet 47044, MedGen C1336839, OMIM 605074, HP:0011797.

Submission:

Myriad Genetics, Inc.
Classification: Benign for Papillary renal cell carcinoma type 1. Last evaluated: 2024-11-12. Review status: criteria provided, single submitter. Criteria: Myriad Autosomal Dominant, Autosomal Recessive and X-Linked Classification Criteria (2023). Collection method: clinical testing. Allele origin: unknown.
Comment: This variant is considered benign. This variant is a silent/synonymous amino acid change and it is not expected to impact splicing.

NM_000245.4(MET):c.2622G>T (p.Val874=)

Gene: MET (MET proto-oncogene, receptor tyrosine kinase; plus strand). Cytogenetic location: 7q31.2.
Variant type: single nucleotide variant.
Coding change: c.2622G>T on transcript NM_000245.4 (MANE Select); coding-DNA position 2622, G replaced by T.
Protein change: p.Val874=; no amino-acid change (valine 874 retained).
Molecular consequence: synonymous variant.
Genome position (GRCh38, 1-based): chr7:116,769,683, G>T. VCF-style: chr7-116769683-G-T. GRCh37 (hg19) VCF-style: chr7-116409737-G-T.
Other names: c.2622G>T, p.Val874= (NM_001324401.3); c.1332G>T, p.Val444= (NM_001324402.2); c.2676G>T, p.Val892= (NM_001127500.3).
Identifiers: ClinVar variation 3773073 (VCV003773073.1).